The following is an entry in ClinVar:

ClinVar aggregate classification (germline): Uncertain significance (1 of 4 stars; one submission).

gnomAD v4.1: 4 of 1,608,366 alleles (0.00025%); highest among the groups gnomAD compares: Admixed American, 0.0034%; no homozygotes.

Submission:

GeneDx
Classification: Uncertain significance. Last evaluated: 2024-01-09. Review status: criteria provided, single submitter. Criteria: GeneDx Variant Classification Process June 2021. Collection method: clinical testing. Allele origin: germline. Affected: yes.
Comment: In silico analysis supports that this missense variant has a deleterious effect on protein structure/function; Has not been previously published as pathogenic or benign to our knowledge

NM_181458.4(PAX3):c.46C>T (p.Pro16Ser)

Genes: CCDC140 (CCDC140 long non-coding RNA; plus strand), PAX3 (paired box 3; minus strand). Cytogenetic location: 2q36.1.
Variant type: single nucleotide variant.
Coding change: c.46C>T on transcript NM_181458.4 (MANE Select); coding-DNA position 46, C replaced by T.
Protein change: p.Pro16Ser; replaces proline 16 with serine.
Molecular consequence: missense variant.
Genome position (GRCh38, 1-based): chr2:222,298,570, G>A on the plus strand (C>T on the coding strand, the complement: PAX3 is on the minus strand). VCF-style: chr2-222298570-G-A. GRCh37 (hg19) VCF-style: chr2-223163289-G-A.
Other names: c.46C>T, p.Pro16Ser (NM_000438.6, NM_001127366.3, NM_013942.5 and 4 more transcripts); short protein forms P16S.
Identifiers: ClinVar variation 3367515 (VCV003367515.1).